The following is an entry in ClinVar:

NM_001130438.3(SPTAN1):c.83G>A (p.Arg28His)

Gene: SPTAN1 (spectrin alpha, non-erythrocytic 1; plus strand). Cytogenetic location: 9q34.11.
Variant type: single nucleotide variant.
Coding change: c.83G>A on transcript NM_001130438.3 (MANE Select); coding-DNA position 83, G replaced by A.
Protein change: p.Arg28His; replaces arginine 28 with histidine.
Molecular consequence: missense variant.
Genome position (GRCh38, 1-based): chr9:128,566,823, G>A. VCF-style: chr9-128566823-G-A. GRCh37 (hg19) VCF-style: chr9-131329102-G-A.
Other names: c.83G>A, p.Arg28His (NM_001195532.2, NM_001363759.2, NM_001363765.2 and 1 more transcripts); short protein forms R28H.
Identifiers: ClinVar variation 590192 (VCV000590192.9), dbSNP rs747510615, ClinGen allele CA5264101.

ClinVar aggregate classification (germline): Conflicting classifications of pathogenicity. Review status: criteria provided, conflicting classifications (1 of 4 stars). 2 submissions from 2 submitters: Uncertain significance (1); Likely benign (1). Last evaluated 2025-02-26.

Conditions:
Early-infantile DEE. Also called: Early infantile epileptic encephalopathy; Ohtahara syndrome; Early infantile epileptic encephalopathy with suppression bursts. Identifiers: Orphanet 1934, MedGen C0393706, MONDO:0800491.
Inborn genetic diseases. Identifiers: MedGen C0950123, MeSH D030342.

Allele frequency attached by ClinVar (database versions not stated): gnomAD exomes below 0.00001 and 0.00001; ExAC 0.00001; gnomAD 0.00001.
gnomAD v4.1: 6 of 1,614,032 alleles (0.00037%); highest among the groups gnomAD compares: Admixed American, 0.0017%; no homozygotes.

Submissions (2):

Labcorp Genetics (formerly Invitae), Labcorp
Classification: Uncertain significance for Early-infantile DEE. Last evaluated: 2025-02-26. Review status: criteria provided, single submitter. Criteria: Invitae Variant Classification Sherloc (09022015). Collection method: clinical testing. Allele origin: germline.
Comment: This sequence change replaces arginine, which is basic and polar, with histidine, which is basic and polar, at codon 28 of the SPTAN1 protein (p.Arg28His). This variant is present in population databases (rs747510615, gnomAD 0.003%). This variant has not been reported in the literature in individuals affected with SPTAN1-related conditions. ClinVar contains an entry for this variant (Variation ID: 590192). Invitae Evidence Modeling of protein sequence and biophysical properties (such as structural, functional, and spatial information, amino acid conservation, physicochemical variation, residue mobility, and thermodynamic stability) has been performed for this missense variant. However, the output from this modeling did not meet the statistical confidence thresholds required to predict the impact of this variant on SPTAN1 protein function. In summary, the available evidence is currently insufficient to determine the role of this variant in disease. Therefore, it has been classified as a Variant of Uncertain Significance.

Ambry Genetics
Classification: Likely benign for Inborn genetic diseases. Last evaluated: 2024-09-19. Review status: criteria provided, single submitter. Criteria: Ambry Variant Classification Scheme 2023. Collection method: clinical testing. Allele origin: germline.